The following is an entry in ClinVar:

NM_001982.4(ERBB3):c.3912T>C (p.His1304=)

Gene: ERBB3 (erb-b2 receptor tyrosine kinase 3; plus strand). Cytogenetic location: 12q13.2.
Variant type: single nucleotide variant.
Coding change: c.3912T>C on transcript NM_001982.4 (MANE Select); coding-DNA position 3912, T replaced by C.
Protein change: p.His1304=; no amino-acid change (histidine 1304 retained).
Molecular consequence: synonymous variant.
Genome position (GRCh38, 1-based): chr12:56,101,938, T>C. VCF-style: chr12-56101938-T-C. GRCh37 (hg19) VCF-style: chr12-56495722-T-C.
Identifiers: ClinVar variation 4998260 (VCV004998260.1).
Genomic context (GRCh38, chr12:56,101,938, plus strand): 5'-ATCTGAGCAAGGGTATGAAGAGATGAGAGCTTTTCAGGGGCCTGGACATCAGGCCCCCCA[T>C]GTCCATTATGCCCGCCTAAAAACTCTACGTAGCTTAGAGGCTACAGACTCTGCCTTTGAT-3'
Protein context (NP_001973.2, residues 1294-1314): AFQGPGHQAP[His1304=]VHYARLKTLR

ClinVar aggregate classification (germline): Likely benign (1 of 4 stars; one submission).

Conditions:
ERBB3-related disorder. Also called: ERBB3-related condition.

gnomAD v4.1: 34 of 1,613,276 alleles (0.0021%); highest among the groups gnomAD compares: Non-Finnish European, 0.0025%; no homozygotes.

Submission:

PreventionGenetics, part of Exact Sciences
Classification: Likely benign for ERBB3-related condition. Last evaluated: 2025-05-30. Review status: criteria provided, single submitter. Criteria: ACMG Guidelines, 2015. Collection method: clinical testing. Allele origin: germline.
Comment: This variant is classified as likely benign based on ACMG/AMP sequence variant interpretation guidelines (Richards et al. 2015 PMID: 25741868, with internal and published modifications).